The following is an entry in ClinVar:

ClinVar aggregate classification (germline): Uncertain significance. Review status: criteria provided, multiple submitters, no conflicts (2 of 4 stars). 4 submissions from 4 submitters: Uncertain significance (4). Last evaluated 2026-03-04.

Conditions:
Neurofibromatosis, type 2 (SWNV). Also called: BILATERAL ACOUSTIC NEUROFIBROMATOSIS; NF2-Related Schwannomatosis; SCHWANNOMATOSIS, VESTIBULAR. Identifiers: Orphanet 637, MedGen C0027832, MONDO:0007039, OMIM 101000. Disease mechanism: loss of function.
Hereditary cancer-predisposing syndrome. Also called: Neoplastic Syndromes, Hereditary; Hereditary Cancer Syndrome; Tumor predisposition; Hereditary neoplastic syndrome. Identifiers: Orphanet 140162, MedGen C0027672, MeSH D009386, MONDO:0015356.

Allele frequency attached by ClinVar (database versions not stated): gnomAD exomes below 0.00001; TOPMed below 0.00001.
gnomAD v4.1: 5 of 1,614,206 alleles (0.00031%); highest among the groups gnomAD compares: Non-Finnish European, 0.00042%; no homozygotes.

Submissions (4):

GeneDx
Classification: Uncertain significance. Last evaluated: 2026-03-04. Review status: criteria provided, single submitter. Criteria: GeneDx Variant Classification Process June 2021. Collection method: clinical testing. Allele origin: germline.
Comment: Not observed at significant frequency in large population cohorts (gnomAD); In silico analysis supports that this missense variant has a deleterious effect on protein structure/function; Has not been previously published as pathogenic or benign to our knowledge; This variant is associated with the following publications: (PMID: 11756419)

Ambry Genetics
Classification: Uncertain significance for Hereditary cancer-predisposing syndrome. Last evaluated: 2024-09-20. Review status: criteria provided, single submitter. Criteria: Ambry Variant Classification Scheme 2023. Collection method: clinical testing. Allele origin: germline.
Comment: The p.R554G variant (also known as c.1660A>G), located in coding exon 15 of the NF2 gene, results from an A to G substitution at nucleotide position 1660. The arginine at codon 554 is replaced by glycine, an amino acid with dissimilar properties. This amino acid position is highly conserved in available vertebrate species. In addition, this alteration is predicted to be deleterious by in silico analysis. Since supporting evidence is limited at this time, the clinical significance of this alteration remains unclear.

Labcorp Genetics (formerly Invitae), Labcorp
Classification: Uncertain significance for Neurofibromatosis, type 2. Last evaluated: 2024-07-30. Review status: criteria provided, single submitter. Criteria: Invitae Variant Classification Sherloc (09022015). Collection method: clinical testing. Allele origin: germline.
Comment: This sequence change replaces arginine, which is basic and polar, with glycine, which is neutral and non-polar, at codon 554 of the NF2 protein (p.Arg554Gly). This variant is not present in population databases (gnomAD no frequency). This variant has not been reported in the literature in individuals affected with NF2-related conditions. ClinVar contains an entry for this variant (Variation ID: 940455). Advanced modeling of protein sequence and biophysical properties (such as structural, functional, and spatial information, amino acid conservation, physicochemical variation, residue mobility, and thermodynamic stability) performed at Invitae indicates that this missense variant is not expected to disrupt NF2 protein function with a negative predictive value of 80%. In summary, the available evidence is currently insufficient to determine the role of this variant in disease. Therefore, it has been classified as a Variant of Uncertain Significance.

All of Us Research Program, National Institutes of Health
Classification: Uncertain significance for Neurofibromatosis, type 2. Last evaluated: 2024-04-16. Review status: criteria provided, single submitter. Criteria: ACMG Guidelines, 2015. Collection method: clinical testing. Allele origin: germline. Inheritance: Autosomal dominant inheritance. Observed: 1 variant allele, 1 heterozygote.
Comment: This missense variant replaces arginine with glycine at codon 554 of the NF2 protein. Computational prediction is inconclusive regarding the impact of this variant on protein structure and function. To our knowledge, functional studies have not been reported for this variant. This variant has not been reported in individuals affected with NF2-related disorders in the literature. This variant has not been identified in the general population by the Genome Aggregation Database (gnomAD). The available evidence is insufficient to determine the role of this variant in disease conclusively. Therefore, this variant is classified as a Variant of Uncertain Significance.

This study involves interpretation of variants in research participants for the purpose of population health screening. Participant phenotype was not available at the time of variant classification. Additional details can be found in publication PMID: 35346344, PMCID: PMC8962531

NM_000268.4(NF2):c.1660A>G (p.Arg554Gly)

Gene: NF2 (NF2, moesin-ezrin-radixin like (MERLIN) tumor suppressor; plus strand). Cytogenetic location: 22q12.2.
Variant type: single nucleotide variant.
Coding change: c.1660A>G on transcript NM_000268.4 (MANE Select); coding-DNA position 1660, A replaced by G.
Protein change: p.Arg554Gly; replaces arginine 554 with glycine.
Molecular consequence: missense variant. On other transcripts: non-coding transcript variant (1), intron variant (1).
Genome position (GRCh38, 1-based): chr22:29,681,524, A>G. VCF-style: chr22-29681524-A-G. GRCh37 (hg19) VCF-style: chr22-30077513-A-G.
Other names: c.1660A>G, p.Arg554Gly (NM_016418.5, NM_181825.3, NM_181832.3); c.1534A>G, p.Arg512Gly (NM_181828.3); c.1537A>G, p.Arg513Gly (NM_181829.3); c.1411A>G, p.Arg471Gly (NM_181830.3, NM_181831.3); c.448-13228A>G (NM_181833.3); short protein forms R554G, R513G, R512G, R471G.
Identifiers: ClinVar variation 940455 (VCV000940455.15), dbSNP rs1601666203, ClinGen allele CA411150232.